The following is an entry in ClinVar:

ClinVar aggregate classification (germline): Pathogenic/Likely pathogenic. Review status: criteria provided, multiple submitters, no conflicts (2 of 4 stars). 2 submissions from 2 submitters: Pathogenic (1); Likely pathogenic (1). Last evaluated 2025-08-07.

Conditions:
LAMA2-related muscular dystrophy (LAMA2-RD). Also called: Laminin alpha 2-related dystrophy. Identifiers: MedGen C5679788, MONDO:0100228.
Merosin deficient congenital muscular dystrophy (MDC1A). Also called: Congenital Muscular Dystrophy Type 1A (MDC1A); Congenital merosin-deficient muscular dystrophy 1A. Identifiers: Orphanet 258, MedGen C1263858, MONDO:0011925, OMIM 607855.

Submissions (2):

Labcorp Genetics (formerly Invitae), Labcorp
Classification: Pathogenic for LAMA2-related muscular dystrophy. Last evaluated: 2025-08-07. Review status: criteria provided, single submitter. Criteria: Invitae Variant Classification Sherloc (09022015). Collection method: clinical testing. Allele origin: germline.
Comment: This sequence change creates a premature translational stop signal (p.Thr313Metfs*4) in the LAMA2 gene. It is expected to result in an absent or disrupted protein product. Loss-of-function variants in LAMA2 are known to be pathogenic (PMID: 18700894, 32904964). This variant is not present in population databases (gnomAD no frequency). This variant has not been reported in the literature in individuals affected with LAMA2-related conditions. For these reasons, this variant has been classified as Pathogenic.

Baylor Genetics
Classification: Likely pathogenic for Merosin deficient congenital muscular dystrophy. Last evaluated: 2023-05-02. Review status: criteria provided, single submitter. Criteria: ACMG Guidelines, 2015. Collection method: clinical testing. Allele origin: unknown.

Literature cited by the submitters: PubMed 18700894 (cited by Labcorp Genetics (formerly Invitae), Labcorp); PubMed 32904964 (cited by Labcorp Genetics (formerly Invitae), Labcorp).

NM_000426.4(LAMA2):c.938_939del (p.Thr313fs)

Gene: LAMA2 (laminin subunit alpha 2; plus strand). Cytogenetic location: 6q22.33.
Variant type: Microsatellite.
Coding change: c.938_939del on transcript NM_000426.4 (MANE Select); coding-DNA positions 938 to 939, 2 bases deleted (CA; older notation c.938_939delCA).
Protein change: p.Thr313fs; shifts the reading frame from threonine 313.
Molecular consequence: frameshift variant.
Genome position (GRCh38, 1-based): chr6:129,149,007-129,149,008, CA deleted; deleting any 2 consecutive bases within chr6:129,149,004-129,149,008 gives the same sequence; the c. name uses the placement nearest the transcript's 3' end. VCF-style (leftmost placement, unchanged base first): chr6-129149003-AAC-A. GRCh37 (hg19) VCF-style: chr6-129470148-AAC-A.
Other names: c.938_939del, p.Thr313fs (NM_001079823.2); short protein forms T313fs.
Identifiers: ClinVar variation 1355480 (VCV001355480.7), dbSNP rs2114967814, ClinGen allele CA2578736573.
Genomic context (GRCh38, chr6:129,149,003, plus strand): 5'-GGCTAAAATTTGTGCTTCCTCCCTCTTTTTGACTAGAAATCTCGCTGTGAGTGTGAGCAT[AAC>A]ACATGTGGCGATAGCTGTGATCAGTGCTGTCCAGGATTCCATCAGAAACCCTGGAGAGCT-3'